The following is an entry in ClinVar:

ClinVar aggregate classification (germline): Pathogenic (1 of 4 stars; one submission).

Submission:

Labcorp Genetics (formerly Invitae), Labcorp
Classification: Pathogenic. Last evaluated: 2022-11-01. Review status: criteria provided, single submitter. Criteria: Invitae Variant Classification Sherloc (09022015). Collection method: clinical testing. Allele origin: germline.
Comment: For these reasons, this variant has been classified as Pathogenic. ClinVar contains an entry for this variant (Variation ID: 1456180). This variant has not been reported in the literature in individuals affected with CEP78-related conditions. This variant is not present in population databases (gnomAD no frequency). This sequence change creates a premature translational stop signal (p.Glu444Thrfs*51) in the CEP78 gene. It is expected to result in an absent or disrupted protein product. Loss-of-function variants in CEP78 are known to be pathogenic (PMID: 27588451, 27588452, 27627988).

Literature cited by the submitters: PubMed 27588451; PubMed 27588452; PubMed 27627988.

NM_001330691.3(CEP78):c.1326_1327insACCCATGTGGACCAGGTTGGCCTCGAACTCGTGCCCTCGAACCCTCGCCTCTCTGAGGGTCCGAGGGCCCGCGCAACCGGCCGGAGCCACAATGGCTCCAGGTTGATGATTCTTCA (p.Glu443fs)

Gene: CEP78 (centrosomal protein 78; plus strand). Cytogenetic location: 9q21.2.
Variant type: Insertion.
Coding change: c.1326_1327insACCCATGTGGACCAGGTTGGCCTCGAACTCGTGCCCTCGAACCCTCGCCTCTCTGAGGGTCCGAGGGCCCGCGCAACCGGCCGGAGCCACAATGGCTCCAGGTTGATGATTCTTCA on transcript NM_001330691.3 (MANE Select); coding-DNA positions 1326 to 1327, ACCCATGTGGACCAGGTTGGCCTCGAACTCGTGCCCTCGAACCCTCGCCTCTCTGAGGGTCCGAGGGCCCGCGCAACCGGCCGGAGCCACAATGGCTCCAGGTTGATGATTCTTCA inserted.
Protein change: p.Glu443fs; shifts the reading frame from glutamic acid 443.
Molecular consequence: frameshift variant.
Genome position: GRCh38: chr9:78,254,910-78,254,911. GRCh37 (hg19): chr9:80,869,826-80,869,827.
Other names: c.1329_1330insACCCATGTGGACCAGGTTGGCCTCGAACTCGTGCCCTCGAACCCTCGCCTCTCTGAGGGTCCGAGGGCCCGCGCAACCGGCCGGAGCCACAATGGCTCCAGGTTGATGATTCTTCA, p.Glu444fs (NM_001098802.3, NM_001349839.2, NM_001349840.2 and 1 more transcripts); c.1326_1327insACCCATGTGGACCAGGTTGGCCTCGAACTCGTGCCCTCGAACCCTCGCCTCTCTGAGGGTCCGAGGGCCCGCGCAACCGGCCGGAGCCACAATGGCTCCAGGTTGATGATTCTTCA, p.Glu443fs (NM_001330693.3, NM_001330694.2, NM_001349838.2); short protein forms E443fs, E444fs.
Identifiers: ClinVar variation 1456180 (VCV001456180.6), dbSNP rs2118341677, ClinGen allele CA2573144742.